The following is an entry in ClinVar:

NM_001379500.1(COL18A1):c.825C>T (p.Pro275=)

Gene: COL18A1 (collagen type XVIII alpha 1 chain; plus strand). Cytogenetic location: 21q22.3.
Variant type: single nucleotide variant.
Coding change: c.825C>T on transcript NM_001379500.1 (MANE Select); coding-DNA position 825, C replaced by T.
Protein change: p.Pro275=; no amino-acid change (proline 275 retained).
Molecular consequence: synonymous variant.
Genome position (GRCh38, 1-based): chr21:45,476,377, C>T. VCF-style: chr21-45476377-C-T. GRCh37 (hg19) VCF-style: chr21-46896291-C-T.
Other names: c.1365C>T (NM_030582.3); c.1365C>T, p.Pro455= (NM_030582.4); c.2070C>T, p.Pro690= (NM_130444.3).
Identifiers: ClinVar variation 1136788 (VCV001136788.11), dbSNP rs750922241, ClinGen allele CA10065947.

ClinVar aggregate classification (germline): Likely benign. Review status: criteria provided, single submitter (1 of 4 stars). 2 submissions from 2 submitters: Likely benign (1). 1 of the submissions does not count toward it. Last evaluated 2026-01-14.

Conditions:
COL18A1-related disorder. Also called: COL18A1-related disorders; COL18A1-related condition.

Allele frequency attached by ClinVar (database versions not stated): gnomAD exomes 0.00001; TOPMed 0.00001; gnomAD 0.00003.

Submissions (2):

Labcorp Genetics (formerly Invitae), Labcorp
Classification: Likely benign. Last evaluated: 2026-01-14. Review status: criteria provided, single submitter. Criteria: Invitae Variant Classification Sherloc (09022015). Collection method: clinical testing. Allele origin: germline.

PreventionGenetics, part of Exact Sciences
Classification: Likely benign for COL18A1-related condition. Last evaluated: 2019-09-09. Review status: no assertion criteria provided. Collection method: clinical testing. Allele origin: germline. Not counted in ClinVar's aggregate classification.
Comment: This variant is classified as likely benign based on ACMG/AMP sequence variant interpretation guidelines (Richards et al. 2015 PMID: 25741868, with internal and published modifications).